The following is an entry in ClinVar:

ClinVar aggregate classification (germline): Likely benign (1 of 4 stars; one submission).

Submission:

CeGaT Center for Human Genetics Tuebingen
Classification: Likely benign. Last evaluated: 2023-07-01. Review status: criteria provided, single submitter. Criteria: CeGaT Center For Human Genetics Tuebingen Variant Classification Criteria Version 2. Collection method: clinical testing. Allele origin: germline. Affected: yes. Observed: 1 variant allele.
Comment: ARID1B: BP4, BP7

NM_001374828.1(ARID1B):c.1221A>C (p.Gly407=)

Gene: ARID1B (AT-rich interaction domain 1B; plus strand). Cytogenetic location: 6q25.3.
Variant type: single nucleotide variant.
Coding change: c.1221A>C on transcript NM_001374828.1 (MANE Select); coding-DNA position 1221, A replaced by C.
Protein change: p.Gly407=; no amino-acid change (glycine 407 retained).
Molecular consequence: synonymous variant.
Genome position (GRCh38, 1-based): chr6:156,778,901, A>C. VCF-style: chr6-156778901-A-C. GRCh37 (hg19) VCF-style: chr6-157100035-A-C.
Other names: c.972A>C, p.Gly324= (NM_001346813.1, NM_020732.3); c.1221A>C, p.Gly407= (NM_001371656.1, NM_001374820.1, NM_017519.3); c.798A>C, p.Gly266= (NM_175863.2).
Identifiers: ClinVar variation 2657056 (VCV002657056.24), dbSNP rs1778926441, ClinGen allele CA452989637.